The following is an entry in ClinVar:

NM_005263.5(GFI1):c.1047C>T (p.Phe349=)

Gene: GFI1 (growth factor independent 1 transcriptional repressor; minus strand). Cytogenetic location: 1p22.1.
Variant type: single nucleotide variant.
Coding change: c.1047C>T on transcript NM_005263.5 (MANE Select); coding-DNA position 1047, C replaced by T.
Protein change: p.Phe349=; no amino-acid change (phenylalanine 349 retained).
Molecular consequence: synonymous variant.
Genome position (GRCh38, 1-based): chr1:92,478,631, G>A on the plus strand (C>T on the coding strand, the complement: GFI1 is on the minus strand). VCF-style: chr1-92478631-G-A. GRCh37 (hg19) VCF-style: chr1-92944188-G-A.
Other names: p.Phe349=; c.1047C>T, p.Phe349= (NM_001127215.3, NM_001127216.3).
Identifiers: ClinVar variation 259698 (VCV000259698.19), dbSNP rs80337126, ClinGen allele CA951256.

ClinVar aggregate classification (germline): Benign/Likely benign. Review status: criteria provided, multiple submitters, no conflicts (2 of 4 stars). 7 submissions from 7 submitters: Benign (4); Likely benign (2). 1 of the submissions does not count toward it. Last evaluated 2026-02-02.

Conditions:
Neutropenia, severe congenital, 2, autosomal dominant. Identifiers: Orphanet 486, MedGen C2751288, MONDO:0013139, OMIM 613107.
GFI1-related disorder. Also called: GFI1-related condition.

Allele frequency attached by ClinVar (database versions not stated): 1000 Genomes Project 0.00539; 1000 Genomes Project 30x 0.00547; TOPMed 0.01278; gnomAD 0.01332 and 0.01333; ExAC 0.01357; gnomAD exomes 0.01372; ESP Exome Variant Server 0.01453.
gnomAD v4.1: 31,680 of 1,613,968 alleles (2%); highest among the groups gnomAD compares: Non-Finnish European, 2.3%; 368 homozygotes.

Submissions (7):

Labcorp Genetics (formerly Invitae), Labcorp
Classification: Benign for Neutropenia, severe congenital, 2, autosomal dominant. Last evaluated: 2026-02-02. Review status: criteria provided, single submitter. Criteria: Invitae Variant Classification Sherloc (09022015). Collection method: clinical testing. Allele origin: germline.

Women's Health and Genetics/Laboratory Corporation of America, LabCorp
Classification: Benign. Last evaluated: 2026-01-21. Review status: criteria provided, single submitter. Criteria: LabCorp Variant Classification Summary - May 2015. Collection method: clinical testing. Allele origin: germline.

ARUP Laboratories, Molecular Genetics and Genomics, ARUP Laboratories
Classification: Benign. Last evaluated: 2025-07-03. Review status: criteria provided, single submitter. Criteria: ARUP Molecular Germline Variant Investigation Process 2024. Collection method: clinical testing. Allele origin: germline.

Blueprint Genetics
Classification: Likely benign. Last evaluated: 2024-11-25. Review status: criteria provided, single submitter. Criteria: ACMG Guidelines, 2015. Collection method: clinical testing. Allele origin: germline.

Mayo Clinic Laboratories, Mayo Clinic
Classification: Benign. Last evaluated: 2023-10-18. Review status: criteria provided, single submitter. Criteria: ACMG Guidelines, 2015. Collection method: clinical testing. Allele origin: germline. Observed: 27 variant alleles.
Comment: BS1, BS2, BP4, BP7

Breakthrough Genomics
Classification: Likely benign. Review status: criteria provided, single submitter. Criteria: ACMG Guidelines, 2015. Collection method: not provided. Allele origin: germline. Inheritance: Autosomal dominant inheritance. Affected: yes.

PreventionGenetics, part of Exact Sciences
Classification: Benign for GFI1-related condition. Last evaluated: 2020-08-11. Review status: no assertion criteria provided. Collection method: clinical testing. Allele origin: germline. Not counted in ClinVar's aggregate classification.
Comment: This variant is classified as benign based on ACMG/AMP sequence variant interpretation guidelines (Richards et al. 2015 PMID: 25741868, with internal and published modifications).